The following is an entry in ClinVar:

NM_198098.4(AQP1):c.520C>T (p.Leu174Phe)

Gene: AQP1 (aquaporin 1 (Colton blood group); plus strand). Cytogenetic location: 7p14.3.
Variant type: single nucleotide variant.
Coding change: c.520C>T on transcript NM_198098.4 (MANE Select); coding-DNA position 520, C replaced by T.
Protein change: p.Leu174Phe; replaces leucine 174 with phenylalanine.
Molecular consequence: missense variant.
Genome position (GRCh38, 1-based): chr7:30,922,201, C>T. VCF-style: chr7-30922201-C-T. GRCh37 (hg19) VCF-style: chr7-30961816-C-T.
Other names: c.520C>T (NM_198098.2); c.520C>T, p.Leu174Phe (NM_001329872.2); short protein forms L174F.
Identifiers: ClinVar variation 3617294 (VCV003617294.3).

ClinVar aggregate classification (germline): Conflicting classifications of pathogenicity. Review status: criteria provided, conflicting classifications (1 of 4 stars). 2 submissions from 2 submitters: Uncertain significance (1); Likely benign (1). Last evaluated 2025-12-09.

gnomAD v4.1: 6 of 1,610,040 alleles (0.00037%); highest among the groups gnomAD compares: East Asian, 0.0022%; no homozygotes.

Submissions (2):

Ambry Genetics
Classification: Likely benign. Last evaluated: 2025-12-09. Review status: criteria provided, single submitter. Criteria: Ambry Variant Classification Scheme 2023. Collection method: clinical testing. Allele origin: germline.

Labcorp Genetics (formerly Invitae), Labcorp
Classification: Uncertain significance. Last evaluated: 2024-02-09. Review status: criteria provided, single submitter. Criteria: Invitae Variant Classification Sherloc (09022015). Collection method: clinical testing. Allele origin: germline.
Comment: This sequence change replaces leucine, which is neutral and non-polar, with phenylalanine, which is neutral and non-polar, at codon 174 of the AQP1 protein (p.Leu174Phe). This variant is not present in population databases (gnomAD no frequency). This variant has not been reported in the literature in individuals affected with AQP1-related conditions. Advanced modeling of protein sequence and biophysical properties (such as structural, functional, and spatial information, amino acid conservation, physicochemical variation, residue mobility, and thermodynamic stability) performed at Invitae indicates that this missense variant is not expected to disrupt AQP1 protein function with a negative predictive value of 80%. In summary, the available evidence is currently insufficient to determine the role of this variant in disease. Therefore, it has been classified as a Variant of Uncertain Significance.